The following is an entry in ClinVar:

ClinVar aggregate classification (germline): Uncertain significance (1 of 4 stars; one submission).

gnomAD v4.1: 10 of 1,208,960 alleles (0.00083%); highest among the groups gnomAD compares: Admixed American, 0.02%; no homozygotes.

Submission:

Women's Health and Genetics/Laboratory Corporation of America, LabCorp
Classification: Uncertain significance. Last evaluated: 2025-12-29. Review status: criteria provided, single submitter. Criteria: LabCorp Variant Classification Summary - May 2015. Collection method: clinical testing. Allele origin: germline.
Comment: Variant summary: MBTPS2 c.92A>C (p.Lys31Thr) results in a non-conservative amino acid change in the encoded protein sequence. Algorithms developed to predict the effect of missense changes on protein structure and function all suggest that this variant is likely to be disruptive. The variant allele was found at a frequency of 5.4e-05 in 183487 control chromosomes. This frequency is not significantly higher than estimated for disease-causing variants in MBTPS2, allowing no conclusion about variant significance. To our knowledge, no occurrence of c.92A>C in individuals affected with MBTPS2-related conditions and no experimental evidence demonstrating its impact on protein function have been reported. No submitters have cited clinical-significance assessments for this variant to ClinVar. Based on the evidence outlined above, the variant was classified as uncertain significance.

NM_015884.4(MBTPS2):c.92A>C (p.Lys31Thr)

Gene: MBTPS2 (membrane bound transcription factor peptidase, site 2; plus strand). Cytogenetic location: Xp22.12.
Variant type: single nucleotide variant.
Coding change: c.92A>C on transcript NM_015884.4 (MANE Select); coding-DNA position 92, A replaced by C.
Protein change: p.Lys31Thr; replaces lysine 31 with threonine.
Molecular consequence: missense variant.
Genome position (GRCh38, 1-based): chrX:21,843,186, A>C. VCF-style: chrX-21843186-A-C. GRCh37 (hg19) VCF-style: chrX-21861304-A-C.
Other names: short protein forms K31T.
Identifiers: ClinVar variation 4688753 (VCV004688753.1).